The following is an entry in ClinVar:

ClinVar aggregate classification (germline): Uncertain significance. Review status: criteria provided, multiple submitters, no conflicts (2 of 4 stars). 2 submissions from 2 submitters: Uncertain significance (2). Last evaluated 2024-10-30.

Allele frequency attached by ClinVar (database versions not stated): TOPMed 0.00002; gnomAD 0.00003.
gnomAD v4.1: 41 of 1,566,264 alleles (0.0026%); highest among the groups gnomAD compares: Non-Finnish European, 0.0035%; no homozygotes.

Submissions (2):

Blueprint Genetics
Classification: Uncertain significance. Last evaluated: 2024-10-30. Review status: criteria provided, single submitter. Criteria: ACMG Guidelines, 2015. Collection method: clinical testing. Allele origin: germline.

Women's Health and Genetics/Laboratory Corporation of America, LabCorp
Classification: Uncertain significance. Last evaluated: 2024-09-20. Review status: criteria provided, single submitter. Criteria: LabCorp Variant Classification Summary - May 2015. Collection method: clinical testing. Allele origin: germline.
Comment: Variant summary: MYH14 c.140A>T (p.Gln47Leu) results in a non-conservative amino acid change in the encoded protein sequence. Five of five in-silico tools predict a damaging effect of the variant on protein function. The variant allele was found at a frequency of 2.4e-05 in 167658 control chromosomes. The available data on variant occurrences in the general population are insufficient to allow any conclusion about variant significance. To our knowledge, no occurrence of c.140A>T in individuals affected with Deafness, Autosomal Dominant 4 and no experimental evidence demonstrating its impact on protein function have been reported. ClinVar contains an entry for this variant (Variation ID: 2682315). Based on the evidence outlined above, the variant was classified as uncertain significance.

NM_001145809.2(MYH14):c.140A>T (p.Gln47Leu)

Gene: MYH14 (myosin heavy chain 14; plus strand). Cytogenetic location: 19q13.33.
Variant type: single nucleotide variant.
Coding change: c.140A>T on transcript NM_001145809.2 (MANE Select); coding-DNA position 140, A replaced by T.
Protein change: p.Gln47Leu; replaces glutamine 47 with leucine.
Molecular consequence: missense variant.
Genome position (GRCh38, 1-based): chr19:50,210,505, A>T. VCF-style: chr19-50210505-A-T. GRCh37 (hg19) VCF-style: chr19-50713762-A-T.
Other names: c.140A>T, p.Gln47Leu (NM_001077186.2, NM_024729.4); short protein forms Q47L.
Identifiers: ClinVar variation 2682315 (VCV002682315.3), dbSNP rs765116556, ClinGen allele CA9592198.